The following is an entry in ClinVar:

ClinVar aggregate classification (germline): Benign (1 of 4 stars; one submission).

Conditions:
Sulfite oxidase deficiency due to molybdenum cofactor deficiency type A. Also called: Molybdenum cofactor deficiency, complementation group A; Molybdenum Cofactor Deficiency A. Identifiers: Orphanet 308386, Orphanet 833, MedGen C1854988, MONDO:0009643, OMIM 252150.

Allele frequency attached by ClinVar (database versions not stated): TOPMed 0.15275; 1000 Genomes Project 0.20667; 1000 Genomes Project 30x 0.21284.
gnomAD v4.1: 52,429 of 454,012 alleles (12%); highest among the groups gnomAD compares: African/African-American, 28%; 4,290 homozygotes.

Submission:

Illumina Laboratory Services, Illumina
Classification: Benign for Sulfite oxidase deficiency due to molybdenum cofactor deficiency type A. Last evaluated: 2018-01-13. Review status: criteria provided, single submitter. Criteria: ICSL Variant Classification Criteria 13 December 2019. Collection method: clinical testing. Allele origin: germline.
Comment: This variant was observed in the ICSL laboratory as part of a predisposition screen in an ostensibly healthy population. It had not been previously curated by ICSL or reported in the Human Gene Mutation Database (HGMD: prior to June 1st, 2018), and was therefore a candidate for classification through an automated scoring system. Utilizing variant allele frequency, disease prevalence and penetrance estimates, and inheritance mode, an automated score was calculated to assess if this variant is too frequent to cause the disease. Based on the score and internal cut-off values, a variant classified as benign is not then subjected to further curation. The score for this variant resulted in a classification of benign for this disease.

NM_001358530.2(MOCS1):c.*1629G>T

Genes: DAAM2 (dishevelled associated activator of morphogenesis 2; plus strand), MOCS1 (molybdenum cofactor synthesis 1; minus strand). Cytogenetic location: 6p21.2.
Variant type: single nucleotide variant.
Coding change: c.*1629G>T on transcript NM_001358530.2 (MANE Select); 1629 bases downstream of the stop codon, G replaced by T.
Molecular consequence: 3 prime UTR variant. On other transcripts: non-coding transcript variant (1).
Genome position (GRCh38, 1-based): chr6:39,904,728, C>A on the plus strand (G>T on the coding strand, the complement: MOCS1 is on the minus strand). VCF-style: chr6-39904728-C-A. GRCh37 (hg19) VCF-style: chr6-39872504-C-A.
Other names: c.*2691C>A (NM_001201427.2, NM_015345.4); c.*2397G>T (NM_001075098.4, NM_001358533.2, NM_001358534.2 and 1 more transcripts); c.*1629G>T (NM_001358529.2, NM_001358531.2).
Identifiers: ClinVar variation 356598 (VCV000356598.5), dbSNP rs3793137, ClinGen allele CA3795630.